The following is an entry in ClinVar:

ClinVar aggregate classification (germline): Benign. Review status: criteria provided, multiple submitters, no conflicts (2 of 4 stars). 2 submissions from 2 submitters: Benign (2). Last evaluated 2018-06-19.

Allele frequency attached by ClinVar (database versions not stated): 1000 Genomes Project 30x 0.20971; 1000 Genomes Project 0.21046; gnomAD 0.24674 and 0.24990; TOPMed 0.24706.
gnomAD v4.1: 37,604 of 152,006 alleles (25%); highest among the groups gnomAD compares: Middle Eastern, 39%; 4,837 homozygotes.

Submissions (2):

GeneDx
Classification: Benign. Last evaluated: 2018-06-19. Review status: criteria provided, single submitter. Criteria: GeneDx Variant Classification (06012015). Collection method: clinical testing. Allele origin: germline. Affected: yes.
Comment: This variant is considered likely benign or benign based on one or more of the following criteria: it is a conservative change, it occurs at a poorly conserved position in the protein, it is predicted to be benign by multiple in silico algorithms, and/or has population frequency not consistent with disease.

Breakthrough Genomics
Classification: Benign. Review status: criteria provided, single submitter. Criteria: ACMG Guidelines, 2015. Collection method: not provided. Allele origin: germline. Inheritance: Autosomal recessive inheritance. Affected: yes.

NM_005002.5(NDUFA9):c.552+168A>G

Gene: NDUFA9 (NADH:ubiquinone oxidoreductase subunit A9; plus strand). Cytogenetic location: 12p13.32.
Variant type: single nucleotide variant.
Coding change: c.552+168A>G on transcript NM_005002.5 (MANE Select); 168 bases into the intron after coding-DNA position 552, A replaced by G.
Molecular consequence: intron variant.
Genome position (GRCh38, 1-based): chr12:4,659,345, A>G. VCF-style: chr12-4659345-A-G. GRCh37 (hg19) VCF-style: chr12-4768511-A-G.
Identifiers: ClinVar variation 671789 (VCV000671789.2), dbSNP rs12318966, ClinGen allele CA13705005.